The following is an entry in ClinVar:

NM_173630.4(RTTN):c.6535G>C (p.Ala2179Pro)

Gene: RTTN (rotatin; minus strand). Cytogenetic location: 18q22.2.
Variant type: single nucleotide variant.
Coding change: c.6535G>C on transcript NM_173630.4 (MANE Select); coding-DNA position 6535, G replaced by C.
Protein change: p.Ala2179Pro; replaces alanine 2179 with proline.
Molecular consequence: missense variant.
Genome position (GRCh38, 1-based): chr18:70,005,258, C>G on the plus strand (G>C on the coding strand, the complement: RTTN is on the minus strand). VCF-style: chr18-70005258-C-G. GRCh37 (hg19) VCF-style: chr18-67672494-C-G.
Other names: c.3799G>C, p.Ala1267Pro (NM_001318520.2); short protein forms A2179P, A1267P.
Identifiers: ClinVar variation 130195 (VCV000130195.12), dbSNP rs587780444, ClinGen allele CA231470.

ClinVar aggregate classification (germline): Uncertain significance. Review status: criteria provided, multiple submitters, no conflicts (2 of 4 stars). 3 submissions from 3 submitters: Uncertain significance (3). Last evaluated 2025-03-27.

Allele frequency attached by ClinVar (database versions not stated): ExAC 0.00007; gnomAD exomes 0.00007 and 0.00003.
gnomAD v4.1: 40 of 1,612,210 alleles (0.0025%); highest among the groups gnomAD compares: South Asian, 0.039%; 1 homozygote.

Submissions (3):

GeneDx
Classification: Uncertain significance. Last evaluated: 2025-03-27. Review status: criteria provided, single submitter. Criteria: GeneDx Variant Classification Process June 2021. Collection method: clinical testing. Allele origin: germline. Affected: yes.
Comment: In silico analysis indicates that this missense variant does not alter protein structure/function; Has not been previously published as pathogenic or benign to our knowledge

Labcorp Genetics (formerly Invitae), Labcorp
Classification: Uncertain significance. Last evaluated: 2022-04-26. Review status: criteria provided, single submitter. Criteria: Invitae Variant Classification Sherloc (09022015). Collection method: clinical testing. Allele origin: germline.
Comment: In summary, the available evidence is currently insufficient to determine the role of this variant in disease. Therefore, it has been classified as a Variant of Uncertain Significance. Algorithms developed to predict the effect of missense changes on protein structure and function are either unavailable or do not agree on the potential impact of this missense change (SIFT: "Deleterious"; PolyPhen-2: "Benign"; Align-GVGD: "Class C0"). ClinVar contains an entry for this variant (Variation ID: 130195). This variant has not been reported in the literature in individuals affected with RTTN-related conditions. This variant is present in population databases (rs587780444, gnomAD 0.05%). This sequence change replaces alanine, which is neutral and non-polar, with proline, which is neutral and non-polar, at codon 2179 of the RTTN protein (p.Ala2179Pro).

Genetic Services Laboratory, University of Chicago
Classification: Uncertain significance. Last evaluated: 2014-03-13. Review status: criteria provided, single submitter. Criteria: ACMG Guidelines, 2007. Collection method: clinical testing. Allele origin: germline. Inheritance: Autosomal recessive inheritance.